The following is an entry in ClinVar:

NM_144687.4(NLRP12):c.1820A>C (p.Gln607Pro)

Gene: NLRP12 (NLR family pyrin domain containing 12; minus strand). Cytogenetic location: 19q13.42.
Variant type: single nucleotide variant.
Coding change: c.1820A>C on transcript NM_144687.4 (MANE Select); coding-DNA position 1820, A replaced by C.
Protein change: p.Gln607Pro; replaces glutamine 607 with proline.
Molecular consequence: missense variant.
Genome position (GRCh38, 1-based): chr19:53,809,839, T>G on the plus strand (A>C on the coding strand, the complement: NLRP12 is on the minus strand). VCF-style: chr19-53809839-T-G. GRCh37 (hg19) VCF-style: chr19-54313093-T-G.
Other names: c.1820A>C, p.Gln607Pro (NM_001277126.2, NM_001277129.1); c.1820A>C (NM_144687.2); short protein forms Q607P.
Identifiers: ClinVar variation 730321 (VCV000730321.18), dbSNP rs370229918, ClinGen allele CA9639345.
Genomic context (GRCh38, chr19:53,809,839, plus strand): 5'-TGGATAAACTCCTCCTCCTGGATCTCGTACAAGCAGCTGAAGAACTCCAAGGAGCCCTGC[T>G]GCAGGGTGGAGCCGTCGCTCTGAGCTTTGCTTTGGATCCACTGCAACAGGTCCATCTTGA-3'
Protein context (NP_653288.1, residues 597-617): SKAQSDGSTL[Gln607Pro]QGSLEFFSCL

ClinVar aggregate classification (germline): Conflicting classifications of pathogenicity. Review status: criteria provided, conflicting classifications (1 of 4 stars). 6 submissions from 6 submitters: Uncertain significance (2); Likely benign (3). 1 of the submissions does not count toward it. Last evaluated 2026-01-23.

Conditions:
Inborn genetic diseases. Identifiers: MedGen C0950123, MeSH D030342.
Familial cold autoinflammatory syndrome 2 (FCAS2). Identifiers: Orphanet 247868, MedGen C2673198, MONDO:0012724, OMIM 611762.
NLRP12-related disorder. Also called: NLRP12-related conditions; NLRP12-related condition.
Autoinflammatory syndrome. Identifiers: Orphanet 93665, MedGen C3890737, MONDO:0019751.

Allele frequency attached by ClinVar (database versions not stated): ExAC 0.00007; gnomAD exomes 0.00010; TOPMed 0.00010.
gnomAD v4.1: 75 of 1,614,052 alleles (0.0046%); highest among the groups gnomAD compares: East Asian, 0.094%; no homozygotes.

Submissions (6):

Women's Health and Genetics/Laboratory Corporation of America, LabCorp
Classification: Likely benign. Last evaluated: 2026-01-23. Review status: criteria provided, single submitter. Criteria: LabCorp Variant Classification Summary - May 2015. Collection method: clinical testing. Allele origin: germline.

Labcorp Genetics (formerly Invitae), Labcorp
Classification: Likely benign for Familial cold autoinflammatory syndrome 2. Last evaluated: 2026-01-11. Review status: criteria provided, single submitter. Criteria: Invitae Variant Classification Sherloc (09022015). Collection method: clinical testing. Allele origin: germline.

ARUP Laboratories, Molecular Genetics and Genomics, ARUP Laboratories
Classification: Likely benign for Familial cold autoinflammatory syndrome 2. Last evaluated: 2024-05-09. Review status: criteria provided, single submitter. Criteria: ARUP Molecular Germline Variant Investigation Process 2024. Collection method: clinical testing. Allele origin: germline.

Ambry Genetics
Classification: Uncertain significance for Inborn genetic diseases. Last evaluated: 2021-08-30. Review status: criteria provided, single submitter. Criteria: Ambry Variant Classification Scheme 2023. Collection method: clinical testing. Allele origin: germline.

Genome Diagnostics Laboratory, The Hospital for Sick Children
Classification: Uncertain significance for Autoinflammatory syndrome. Last evaluated: 2019-06-01. Review status: criteria provided, single submitter. Criteria: ACMG Guidelines, 2015. Collection method: clinical testing. Allele origin: germline. Affected: yes.

PreventionGenetics, part of Exact Sciences
Classification: Uncertain significance for NLRP12-related condition. Last evaluated: 2023-11-09. Review status: no assertion criteria provided. Collection method: clinical testing. Allele origin: germline. Not counted in ClinVar's aggregate classification.
Comment: The NLRP12 c.1820A>C variant is predicted to result in the amino acid substitution p.Gln607Pro. To our knowledge, this variant has not been reported in the literature. This variant is reported in 0.13% of alleles in individuals of East Asian descent in gnomAD. Although we suspect that this variant may be benign, at this time, the clinical significance of this variant is uncertain due to the absence of conclusive functional and genetic evidence.